The following is an entry in ClinVar:

ClinVar aggregate classification (germline): Uncertain significance (1 of 4 stars; one submission).

Submission:

GeneDx
Classification: Uncertain significance. Last evaluated: 2023-03-30. Review status: criteria provided, single submitter. Criteria: GeneDx Variant Classification Process June 2021. Collection method: clinical testing. Allele origin: germline. Affected: yes.
Comment: Not observed at significant frequency in large population cohorts (gnomAD); In silico analysis supports that this missense variant has a deleterious effect on protein structure/function; Has not been previously published as pathogenic or benign to our knowledge

NM_002968.3(SALL1):c.3620G>T (p.Gly1207Val)

Gene: SALL1 (spalt like transcription factor 1; minus strand). Cytogenetic location: 16q12.1.
Variant type: single nucleotide variant.
Coding change: c.3620G>T on transcript NM_002968.3 (MANE Select); coding-DNA position 3620, G replaced by T.
Protein change: p.Gly1207Val; replaces glycine 1207 with valine.
Molecular consequence: missense variant.
Genome position (GRCh38, 1-based): chr16:51,137,467, C>A on the plus strand (G>T on the coding strand, the complement: SALL1 is on the minus strand). VCF-style: chr16-51137467-C-A. GRCh37 (hg19) VCF-style: chr16-51171378-C-A.
Other names: c.3329G>T, p.Gly1110Val (NM_001127892.2); short protein forms G1110V, G1207V.
Identifiers: ClinVar variation 2581982 (VCV002581982.1), dbSNP rs2506477716, ClinGen allele CA395878314.
Genomic context (GRCh38, chr16:51,137,467, plus strand): 5'-CTTCCTGATCTTGCCGCCAAATCCTTCTGGAACATTTCTGGGAACTTGACGGGATTGCCT[C>A]CTAGAAATGTCATGGGGCCATCCACAGAGAGCCGCCGACCCCGTCGTGCAGGGGTGCTAT-3'
Protein context (NP_002959.2, residues 1197-1217): LSVDGPMTFL[Gly1207Val]GNPVKFPEMF